The following is an entry in ClinVar:

ClinVar aggregate classification (germline): Uncertain significance (1 of 4 stars; one submission).

Conditions:
Polyglandular autoimmune syndrome, type 1 (APS1). Also called: HYPOADRENOCORTICISM WITH HYPOPARATHYROIDISM AND SUPERFICIAL MONILIASIS; PGA I; AUTOIMMUNE POLYENDOCRINE SYNDROME, TYPE I, WITH OR WITHOUT REVERSIBLE METAPHYSEAL DYSPLASIA; APS I; Autoimmune polyendocrinopathy syndrome , type I, with or without reversible metaphyseal dysplasia; Whitaker syndrome. Identifiers: Orphanet 3453, MedGen C0085859, MONDO:0009411, OMIM 240300.

Submission:

Labcorp Genetics (formerly Invitae), Labcorp
Classification: Uncertain significance for Polyglandular autoimmune syndrome, type 1. Last evaluated: 2024-02-01. Review status: criteria provided, single submitter. Criteria: Invitae Variant Classification Sherloc (09022015). Collection method: clinical testing. Allele origin: germline.
Comment: This sequence change replaces alanine, which is neutral and non-polar, with serine, which is neutral and polar, at codon 142 of the AIRE protein (p.Ala142Ser). This variant is not present in population databases (gnomAD no frequency). This variant has not been reported in the literature in individuals affected with AIRE-related conditions. Advanced modeling of protein sequence and biophysical properties (such as structural, functional, and spatial information, amino acid conservation, physicochemical variation, residue mobility, and thermodynamic stability) performed at Invitae indicates that this missense variant is not expected to disrupt AIRE protein function with a negative predictive value of 95%. In summary, the available evidence is currently insufficient to determine the role of this variant in disease. Therefore, it has been classified as a Variant of Uncertain Significance.

NM_000383.4(AIRE):c.424G>T (p.Ala142Ser)

Gene: AIRE (autoimmune regulator; plus strand). Cytogenetic location: 21q22.3.
Variant type: single nucleotide variant.
Coding change: c.424G>T on transcript NM_000383.4 (MANE Select); coding-DNA position 424, G replaced by T.
Protein change: p.Ala142Ser; replaces alanine 142 with serine.
Molecular consequence: missense variant.
Genome position (GRCh38, 1-based): chr21:44,287,094, G>T. VCF-style: chr21-44287094-G-T. GRCh37 (hg19) VCF-style: chr21-45706977-G-T.
Other names: short protein forms A142S.
Identifiers: ClinVar variation 3637839 (VCV003637839.2).